The following is an entry in ClinVar:

ClinVar aggregate classification (germline): Uncertain significance (1 of 4 stars; one submission).

gnomAD v4.1: 38 of 1,612,216 alleles (0.0024%); highest among the groups gnomAD compares: Middle Eastern, 0.017%; no homozygotes.

Submission:

Labcorp Genetics (formerly Invitae), Labcorp
Classification: Uncertain significance. Last evaluated: 2022-03-31. Review status: criteria provided, single submitter. Criteria: Invitae Variant Classification Sherloc (09022015). Collection method: clinical testing. Allele origin: germline.
Comment: This variant is present in population databases (rs77554911, gnomAD 0.007%). This sequence change replaces alanine, which is neutral and non-polar, with valine, which is neutral and non-polar, at codon 2982 of the SPEG protein (p.Ala2982Val). In summary, the available evidence is currently insufficient to determine the role of this variant in disease. Therefore, it has been classified as a Variant of Uncertain Significance. Algorithms developed to predict the effect of missense changes on protein structure and function (SIFT, PolyPhen-2, Align-GVGD) all suggest that this variant is likely to be tolerated. This variant has not been reported in the literature in individuals affected with SPEG-related conditions.

NM_005876.5(SPEG):c.8945C>T (p.Ala2982Val)

Genes: ASIC4-AS1 (ASIC4 antisense RNA 1; minus strand), SPEG (striated muscle enriched protein kinase; plus strand). Cytogenetic location: 2q35.
Variant type: single nucleotide variant.
Coding change: c.8945C>T on transcript NM_005876.5 (MANE Select); coding-DNA position 8945, C replaced by T.
Protein change: p.Ala2982Val; replaces alanine 2982 with valine.
Molecular consequence: missense variant.
Genome position (GRCh38, 1-based): chr2:219,490,432, C>T. VCF-style: chr2-219490432-C-T. GRCh37 (hg19) VCF-style: chr2-220355154-C-T.
Other names: short protein forms A2982V.
Identifiers: ClinVar variation 2139124 (VCV002139124.4), dbSNP rs77554911, ClinGen allele CA2127622.